The following is an entry in ClinVar:

NM_001347721.2(DYRK1A):c.241A>T (p.Thr81Ser)

Gene: DYRK1A (dual specificity tyrosine phosphorylation regulated kinase 1A; plus strand). Cytogenetic location: 21q22.13.
Variant type: single nucleotide variant.
Coding change: c.241A>T on transcript NM_001347721.2 (MANE Select); coding-DNA position 241, A replaced by T.
Protein change: p.Thr81Ser; replaces threonine 81 with serine.
Molecular consequence: missense variant.
Genome position (GRCh38, 1-based): chr21:37,478,241, A>T. VCF-style: chr21-37478241-A-T. GRCh37 (hg19) VCF-style: chr21-38850543-A-T.
Other names: c.241A>T, p.Thr81Ser (NM_001347722.2, NM_130436.2); c.154A>T, p.Thr52Ser (NM_001347723.2); c.268A>T, p.Thr90Ser (NM_001396.5, NM_101395.2, NM_130438.2); short protein forms T52S, T81S, T90S.
Identifiers: ClinVar variation 1992499 (VCV001992499.4), dbSNP rs767489712, ClinGen allele CA409943456.

ClinVar aggregate classification (germline): Uncertain significance (1 of 4 stars; one submission).

Conditions:
DYRK1A-related intellectual disability syndrome (MRD7). Also called: DYRK1A Syndrome; Intellectual developmental disorder, autosomal dominant 7. Identifiers: Orphanet 464306, MedGen C5568143, MONDO:0013578, OMIM 614104.

Submission:

Labcorp Genetics (formerly Invitae), Labcorp
Classification: Uncertain significance for DYRK1A-related intellectual disability syndrome. Last evaluated: 2022-05-09. Review status: criteria provided, single submitter. Criteria: Invitae Variant Classification Sherloc (09022015). Collection method: clinical testing. Allele origin: germline.
Comment: This sequence change replaces threonine, which is neutral and polar, with serine, which is neutral and polar, at codon 90 of the DYRK1A protein (p.Thr90Ser). This variant is not present in population databases (gnomAD no frequency). This variant has not been reported in the literature in individuals affected with DYRK1A-related conditions. Advanced modeling of protein sequence and biophysical properties (such as structural, functional, and spatial information, amino acid conservation, physicochemical variation, residue mobility, and thermodynamic stability) performed at Invitae indicates that this missense variant is not expected to disrupt DYRK1A protein function. In summary, the available evidence is currently insufficient to determine the role of this variant in disease. Therefore, it has been classified as a Variant of Uncertain Significance.